The following is an entry in ClinVar:

NM_004655.4(AXIN2):c.1674C>G (p.His558Gln)

Gene: AXIN2 (axin 2; minus strand). Cytogenetic location: 17q24.1.
Variant type: single nucleotide variant.
Coding change: c.1674C>G on transcript NM_004655.4 (MANE Select); coding-DNA position 1674, C replaced by G.
Protein change: p.His558Gln; replaces histidine 558 with glutamine.
Molecular consequence: missense variant.
Genome position (GRCh38, 1-based): chr17:65,537,362, G>C on the plus strand (C>G on the coding strand, the complement: AXIN2 is on the minus strand). VCF-style: chr17-65537362-G-C. GRCh37 (hg19) VCF-style: chr17-63533480-G-C.
Other names: c.1674C>G, p.His558Gln (NM_001363813.1); short protein forms H558Q.
Identifiers: ClinVar variation 2694661 (VCV002694661.3), dbSNP rs2144456325, ClinGen allele CA400676862.
Genomic context (GRCh38, chr17:65,537,362, plus strand): 5'-CTGCGGTCCGCCCGGCACTTACCCAAACTGCTCGCTGGGCATGGTTTCCGGAGCCTTGGA[G>C]TGGCTTTTGCATTTCGAGTAGCAGTAATACTCGCTGCCCCCAGGGCAGAAGCAGTGCACC-3'
Protein context (NP_004646.3, residues 548-568): EYYCYSKCKS[His558Gln]SKAPETMPSE

ClinVar aggregate classification (germline): Uncertain significance (1 of 4 stars; one submission).

Conditions:
Oligodontia-cancer predisposition syndrome. Also called: TOOTH AGENESIS-COLORECTAL CANCER SYNDROME. Identifiers: Orphanet 300576, MedGen C1837750, MONDO:0012075, OMIM 608615. Disease mechanism: loss of function.

Submission:

Labcorp Genetics (formerly Invitae), Labcorp
Classification: Uncertain significance for Oligodontia-cancer predisposition syndrome. Last evaluated: 2023-11-10. Review status: criteria provided, single submitter. Criteria: Invitae Variant Classification Sherloc (09022015). Collection method: clinical testing. Allele origin: germline.
Comment: This sequence change replaces histidine, which is basic and polar, with glutamine, which is neutral and polar, at codon 558 of the AXIN2 protein (p.His558Gln). This variant is not present in population databases (gnomAD no frequency). This variant has not been reported in the literature in individuals affected with AXIN2-related conditions. Advanced modeling of protein sequence and biophysical properties (such as structural, functional, and spatial information, amino acid conservation, physicochemical variation, residue mobility, and thermodynamic stability) performed at Invitae indicates that this missense variant is not expected to disrupt AXIN2 protein function with a negative predictive value of 80%. In summary, the available evidence is currently insufficient to determine the role of this variant in disease. Therefore, it has been classified as a Variant of Uncertain Significance.